The following is an entry in ClinVar:

NM_001164508.2(NEB):c.3025C>T (p.Gln1009Ter)

Gene: NEB (nebulin; minus strand). Cytogenetic location: 2q23.3.
Variant type: single nucleotide variant.
Coding change: c.3025C>T on transcript NM_001164508.2 (MANE Select); coding-DNA position 3025, C replaced by T.
Protein change: p.Gln1009Ter; replaces glutamine 1009 with a stop codon.
Molecular consequence: nonsense.
Genome position (GRCh38, 1-based): chr2:151,680,747, G>A on the plus strand (C>T on the coding strand, the complement: NEB is on the minus strand). VCF-style: chr2-151680747-G-A. GRCh37 (hg19) VCF-style: chr2-152537261-G-A.
Other names: c.3025C>T, p.Gln1009Ter (NM_001164507.2, NM_001271208.2, NM_004543.5); short protein forms Q1009*.
Identifiers: ClinVar variation 2861099 (VCV002861099.3), dbSNP rs2552263990, ClinGen allele CA348821019.

ClinVar aggregate classification (germline): Pathogenic (1 of 4 stars; one submission).

Conditions:
Nemaline myopathy 2 (NEM2). Also called: Nemaline myopathy 2, autosomal recessive. Identifiers: MedGen C1850569, MONDO:0009725, OMIM 256030.

Submission:

Labcorp Genetics (formerly Invitae), Labcorp
Classification: Pathogenic for Nemaline myopathy 2. Last evaluated: 2023-05-01. Review status: criteria provided, single submitter. Criteria: Invitae Variant Classification Sherloc (09022015). Collection method: clinical testing. Allele origin: germline.
Comment: For these reasons, this variant has been classified as Pathogenic. This variant has not been reported in the literature in individuals affected with NEB-related conditions. This variant is not present in population databases (gnomAD no frequency). This sequence change creates a premature translational stop signal (p.Gln1009*) in the NEB gene. It is expected to result in an absent or disrupted protein product. Loss-of-function variants in NEB are known to be pathogenic (PMID: 25205138).

Literature cited by the submitters: PubMed 25205138.